The following is an entry in ClinVar:

NM_001283009.2(RTEL1):c.3870C>A (p.Ser1290Arg)

Genes: RTEL1 (regulator of telomere elongation helicase 1; plus strand), RTEL1-TNFRSF6B (RTEL1-TNFRSF6B readthrough (NMD candidate); plus strand). Cytogenetic location: 20q13.33.
Variant type: single nucleotide variant.
Coding change: c.3870C>A on transcript NM_001283009.2 (MANE Select); coding-DNA position 3870, C replaced by A.
Protein change: p.Ser1290Arg; replaces serine 1290 with arginine.
Molecular consequence: missense variant. On other transcripts: non-coding transcript variant (1), 3 prime UTR variant (3).
Genome position (GRCh38, 1-based): chr20:63,695,825, C>A. VCF-style: chr20-63695825-C-A. GRCh37 (hg19) VCF-style: chr20-62327178-C-A.
Other names: c.*40C>A (NM_001283010.1, NM_016434.4, NM_032957.5); short protein forms S1290R.
Identifiers: ClinVar variation 3791075 (VCV003791075.1).

ClinVar aggregate classification (germline): Uncertain significance (1 of 4 stars; one submission).

Conditions:
Inborn genetic diseases. Identifiers: MedGen C0950123, MeSH D030342.

Submission:

Ambry Genetics
Classification: Uncertain significance for Inborn genetic diseases. Last evaluated: 2025-01-19. Review status: criteria provided, single submitter. Criteria: Ambry Variant Classification Scheme 2023. Collection method: clinical testing. Allele origin: germline.
Comment: The p.S1290R variant (also known as c.3870C>A), located in coding exon 34 of the RTEL1 gene, results from a C to A substitution at nucleotide position 3870. The serine at codon 1290 is replaced by arginine, an amino acid with dissimilar properties. This amino acid position is conserved. In addition, this alteration is predicted to be tolerated by in silico analysis. Based on the available evidence, the clinical significance of this variant remains unclear.